The following is an entry in ClinVar:

ClinVar aggregate classification (germline): Uncertain significance (1 of 4 stars; one submission).

Allele frequency attached by ClinVar (database versions not stated): gnomAD exomes below 0.00001.
gnomAD v4.1: 2 of 1,551,146 alleles (0.00013%); highest among the groups gnomAD compares: Non-Finnish European, 0.00017%; no homozygotes.

Submission:

Labcorp Genetics (formerly Invitae), Labcorp
Classification: Uncertain significance. Last evaluated: 2022-07-19. Review status: criteria provided, single submitter. Criteria: Invitae Variant Classification Sherloc (09022015). Collection method: clinical testing. Allele origin: germline.
Comment: This sequence change replaces glutamine, which is neutral and polar, with arginine, which is basic and polar, at codon 2379 of the UNC80 protein (p.Gln2379Arg). This variant is not present in population databases (gnomAD no frequency). This variant has not been reported in the literature in individuals affected with UNC80-related conditions. Algorithms developed to predict the effect of missense changes on protein structure and function are either unavailable or do not agree on the potential impact of this missense change (SIFT: "Not Available"; PolyPhen-2: "Possibly Damaging"; Align-GVGD: "Not Available"). In summary, the available evidence is currently insufficient to determine the role of this variant in disease. Therefore, it has been classified as a Variant of Uncertain Significance.

NM_001371986.1(UNC80):c.7334A>G (p.Gln2445Arg)

Gene: UNC80 (unc-80 homolog, NALCN channel complex subunit; plus strand). Cytogenetic location: 2q34.
Variant type: single nucleotide variant.
Coding change: c.7334A>G on transcript NM_001371986.1 (MANE Select); coding-DNA position 7334, A replaced by G.
Protein change: p.Gln2445Arg; replaces glutamine 2445 with arginine.
Molecular consequence: missense variant.
Genome position (GRCh38, 1-based): chr2:209,954,147, A>G. VCF-style: chr2-209954147-A-G. GRCh37 (hg19) VCF-style: chr2-210818871-A-G.
Other names: c.7136A>G, p.Gln2379Arg (NM_032504.2); c.7121A>G, p.Gln2374Arg (NM_182587.4); short protein forms Q2374R, Q2379R, Q2445R.
Identifiers: ClinVar variation 1719435 (VCV001719435.3), dbSNP rs2471194692, ClinGen allele CA350775305.
Genomic context (GRCh38, chr2:209,954,147, plus strand): 5'-CTGTCGCTTAAAGTCTTCAGATGCTGATGGTCTTAGAAGCCTTAGTTCCATGTTACCTAC[A>G]AAAGCTAAAGAGGCAGACATCACAGGTGGAGACAGTACCTGCTGCCCGAGAGGAGATTGC-3'
Protein context (NP_001358915.1, residues 2435-2455): VLEALVPCYL[Gln2445Arg]KLKRQTSQVE